The following is an entry in ClinVar:

NM_000439.5(PCSK1):c.1536A>T (p.Thr512=)

Genes: CAST (calpastatin; plus strand), PCSK1 (proprotein convertase subtilisin/kexin type 1; minus strand), LOC101929710 (uncharacterized LOC101929710; plus strand). Cytogenetic location: 5q15.
Variant type: single nucleotide variant.
Coding change: c.1536A>T on transcript NM_000439.5 (MANE Select); coding-DNA position 1536, A replaced by T.
Protein change: p.Thr512=; no amino-acid change (threonine 512 retained).
Molecular consequence: synonymous variant. On other transcripts: intron variant (11).
Genome position (GRCh38, 1-based): chr5:96,398,931, T>A on the plus strand (A>T on the coding strand, the complement: PCSK1 is on the minus strand). VCF-style: chr5-96398931-T-A. GRCh37 (hg19) VCF-style: chr5-95734635-T-A.
Other names: c.1395A>T, p.Thr465= (NM_001177875.2); c.-175+19279T>A (NM_001423254.1, NM_001423259.1, NM_001423255.1 and 6 more transcripts); c.-103+19279T>A (NM_001423253.1); c.-40+19279T>A (NM_001423258.1).
Identifiers: ClinVar variation 3351670 (VCV003351670.1).

ClinVar aggregate classification (germline): Likely benign (0 of 4 stars; one submission).

Conditions:
PCSK1-related disorder. Also called: PCSK1-related condition.

gnomAD v4.1: 8 of 1,613,470 alleles (0.0005%); highest among the groups gnomAD compares: African/African-American, 0.0093%; no homozygotes.

Submission:

PreventionGenetics, part of Exact Sciences
Classification: Likely benign for PCSK1-related condition. Last evaluated: 2021-01-20. Review status: no assertion criteria provided. Collection method: clinical testing. Allele origin: germline.
Comment: This variant is classified as likely benign based on ACMG/AMP sequence variant interpretation guidelines (Richards et al. 2015 PMID: 25741868, with internal and published modifications).